The following is an entry in ClinVar:

ClinVar aggregate classification (germline): Uncertain significance (1 of 4 stars; one submission).

Submission:

Labcorp Genetics (formerly Invitae), Labcorp
Classification: Uncertain significance. Last evaluated: 2022-06-07. Review status: criteria provided, single submitter. Criteria: Invitae Variant Classification Sherloc (09022015). Collection method: clinical testing. Allele origin: germline.
Comment: This sequence change replaces threonine, which is neutral and polar, with serine, which is neutral and polar, at codon 757 of the PNPLA8 protein (p.Thr757Ser). This variant is not present in population databases (gnomAD no frequency). This variant has not been reported in the literature in individuals affected with PNPLA8-related conditions. Algorithms developed to predict the effect of missense changes on protein structure and function (SIFT, PolyPhen-2, Align-GVGD) all suggest that this variant is likely to be tolerated. In summary, the available evidence is currently insufficient to determine the role of this variant in disease. Therefore, it has been classified as a Variant of Uncertain Significance.

NM_001256007.3(PNPLA8):c.2269A>T (p.Thr757Ser)

Gene: PNPLA8 (patatin like domain 8, phospholipase A2; minus strand). Cytogenetic location: 7q31.1.
Variant type: single nucleotide variant.
Coding change: c.2269A>T on transcript NM_001256007.3 (MANE Select); coding-DNA position 2269, A replaced by T.
Protein change: p.Thr757Ser; replaces threonine 757 with serine.
Molecular consequence: missense variant.
Genome position (GRCh38, 1-based): chr7:108,472,481, T>A on the plus strand (A>T on the coding strand, the complement: PNPLA8 is on the minus strand). VCF-style: chr7-108472481-T-A. GRCh37 (hg19) VCF-style: chr7-108112925-T-A.
Other names: c.2269A>T, p.Thr757Ser (NM_001256008.3, NM_015723.5); c.2083A>T, p.Thr695Ser (NM_001256009.3); c.1969A>T, p.Thr657Ser (NM_001256010.3, NM_001256011.3); short protein forms T657S, T695S, T757S.
Identifiers: ClinVar variation 2003044 (VCV002003044.4), dbSNP rs2552108902, ClinGen allele CA368890265.
Genomic context (GRCh38, chr7:108,472,481, plus strand): 5'-GAAGTCCTTCATACATATCAGTTTTTAATTTTATCCAATCATTAATTTTCTGCAGAGTTG[T>A]TTTTTCTTGACTTAATATTTTTGCAACTTTTTTCATTTTTTGTTCATTTCTTTCTATGTA-3'
Protein context (NP_001242936.1, residues 747-767): KVAKILSQEK[Thr757Ser]TLQKINDWIK